The following is an entry in ClinVar:

NM_000202.8(IDS):c.676C>G (p.His226Asp)

Genes: IDS (iduronate 2-sulfatase; minus strand), LOC106050102 (IDS recombination region; plus strand). Cytogenetic location: Xq28.
Variant type: single nucleotide variant.
Coding change: c.676C>G on transcript NM_000202.8 (MANE Select); coding-DNA position 676, C replaced by G.
Protein change: p.His226Asp; replaces histidine 226 with aspartic acid.
Molecular consequence: missense variant. On other transcripts: non-coding transcript variant (1).
Genome position (GRCh38, 1-based): chrX:149,498,139, G>C on the plus strand (C>G on the coding strand, the complement: IDS is on the minus strand). VCF-style: chrX-149498139-G-C. GRCh37 (hg19) VCF-style: chrX-148579670-G-C.
Other names: c.676C>G, p.His226Asp (NM_006123.5); c.406C>G, p.His136Asp (NM_001166550.4); short protein forms H136D, H226D.
Identifiers: ClinVar variation 3255795 (VCV003255795.2).

ClinVar aggregate classification (germline): Likely pathogenic (1 of 4 stars; one submission).

Conditions:
Mucopolysaccharidosis, MPS-II (MPS2). Also called: Hunter Syndrome; IDURONATE 2-SULFATASE DEFICIENCY; Mucopolysaccharidosis Type II; Mucopolysaccharidosis type 2; Attenuated MPS (subtype; formerly known as mild MPS II); Severe MPS II. Identifiers: Orphanet 580, Orphanet 79388, MedGen C0026705, MONDO:0010674, OMIM 309900.

Submission:

Laboratory of Diagnosis and Therapy of Lysosomal Disorders, University of Padova
Classification: Likely pathogenic for Mucopolysaccharidosis, MPS-II. Last evaluated: 2024-06-07. Review status: criteria provided, single submitter. Criteria: ACMG Guidelines, 2015. Collection method: literature only. Allele origin: germline. Affected: yes. Observed: 1 variant allele.
Comment: Absent from controls (or at low frequency) in gnomAD database (PM2_Moderate), Missense variant in a gene with a low rate of benign missense variation (PP2_Supporting), Multiple lines of computational evidence support a deleterious effect (PP3_Supporting), Patient’s phenotype or family history highly specific for the disease (PP4_Moderate)

Classification method: ACMG Guidelines [PMID:25741868] with modifications

Literature cited by the submitters: PubMed 35887520.